The following is an entry in ClinVar:

ClinVar aggregate classification (germline): Uncertain significance (1 of 4 stars; one submission).

Conditions:
Neurofibromatosis, type 1 (NF1). Also called: Peripheral type neurofibromatosis; NEUROFIBROMATOSIS, TYPE I, SOMATIC; VON RECKLINGHAUSEN DISEASE; Neurofibromatosis, type I. Identifiers: Orphanet 636, MedGen C0027831, MONDO:0018975, OMIM 162200. Disease mechanism: loss of function.

Submission:

Labcorp Genetics (formerly Invitae), Labcorp
Classification: Uncertain significance for Neurofibromatosis, type 1. Last evaluated: 2025-06-11. Review status: criteria provided, single submitter. Criteria: Invitae Variant Classification Sherloc (09022015). Collection method: clinical testing. Allele origin: germline.
Comment: This sequence change replaces methionine, which is neutral and non-polar, with valine, which is neutral and non-polar, at codon 1792 of the NF1 protein (p.Met1792Val). This variant is not present in population databases (gnomAD no frequency). This variant has not been reported in the literature in individuals affected with NF1-related conditions. ClinVar contains an entry for this variant (Variation ID: 3624198). Invitae Evidence Modeling of protein sequence and biophysical properties (such as structural, functional, and spatial information, amino acid conservation, physicochemical variation, residue mobility, and thermodynamic stability) indicates that this missense variant is not expected to disrupt NF1 protein function with a negative predictive value of 95%. In summary, the available evidence is currently insufficient to determine the role of this variant in disease. Therefore, it has been classified as a Variant of Uncertain Significance.

NM_001042492.3(NF1):c.5437A>G (p.Met1813Val)

Gene: NF1 (neurofibromin 1; plus strand). Cytogenetic location: 17q11.2.
Variant type: single nucleotide variant.
Coding change: c.5437A>G on transcript NM_001042492.3 (MANE Select); coding-DNA position 5437, A replaced by G.
Protein change: p.Met1813Val; replaces methionine 1813 with valine.
Molecular consequence: missense variant.
Genome position (GRCh38, 1-based): chr17:31,327,667, A>G. VCF-style: chr17-31327667-A-G. GRCh37 (hg19) VCF-style: chr17-29654685-A-G.
Other names: c.5374A>G, p.Met1792Val (NM_000267.4); short protein forms M1792V, M1813V.
Identifiers: ClinVar variation 3624198 (VCV003624198.2).